The following is an entry in ClinVar:

ClinVar aggregate classification (germline): Uncertain significance (1 of 4 stars; one submission).

Submission:

Labcorp Genetics (formerly Invitae), Labcorp
Classification: Uncertain significance. Last evaluated: 2022-02-05. Review status: criteria provided, single submitter. Criteria: Invitae Variant Classification Sherloc (09022015). Collection method: clinical testing. Allele origin: germline.
Comment: This sequence change replaces valine, which is neutral and non-polar, with alanine, which is neutral and non-polar, at codon 1200 of the SETBP1 protein (p.Val1200Ala). This variant is not present in population databases (gnomAD no frequency). This variant has not been reported in the literature in individuals affected with SETBP1-related conditions. Algorithms developed to predict the effect of missense changes on protein structure and function are either unavailable or do not agree on the potential impact of this missense change (SIFT: "Deleterious"; PolyPhen-2: "Benign"; Align-GVGD: "Class C0"). In summary, the available evidence is currently insufficient to determine the role of this variant in disease. Therefore, it has been classified as a Variant of Uncertain Significance.

NM_015559.3(SETBP1):c.3599T>C (p.Val1200Ala)

Gene: SETBP1 (SET binding protein 1; plus strand). Cytogenetic location: 18q12.3.
Variant type: single nucleotide variant.
Coding change: c.3599T>C on transcript NM_015559.3 (MANE Select); coding-DNA position 3599, T replaced by C.
Protein change: p.Val1200Ala; replaces valine 1200 with alanine.
Molecular consequence: missense variant.
Genome position (GRCh38, 1-based): chr18:44,952,939, T>C. VCF-style: chr18-44952939-T-C. GRCh37 (hg19) VCF-style: chr18-42532904-T-C.
Other names: c.3599T>C, p.Val1200Ala (NM_001379141.1, NM_001379142.1); short protein forms V1200A.
Identifiers: ClinVar variation 1400737 (VCV001400737.8), dbSNP rs2145114005, ClinGen allele CA402324764.